The following is an entry in ClinVar:

ClinVar aggregate classification (germline): Uncertain significance (1 of 4 stars; one submission).

Conditions:
Hereditary cancer-predisposing syndrome. Also called: Hereditary neoplastic syndrome; Hereditary Cancer Syndrome; Neoplastic Syndromes, Hereditary; Tumor predisposition. Identifiers: Orphanet 140162, MedGen C0027672, MeSH D009386, MONDO:0015356.

Allele frequency attached by ClinVar (database versions not stated): gnomAD exomes below 0.00001.
gnomAD v4.1: 1 of 1,614,048 alleles (0.000062%); highest among the groups gnomAD compares: Non-Finnish European, 0.000085%; no homozygotes.

Submission:

Ambry Genetics
Classification: Uncertain significance for Hereditary cancer-predisposing syndrome. Last evaluated: 2025-06-08. Review status: criteria provided, single submitter. Criteria: Ambry Variant Classification Scheme 2023. Collection method: clinical testing. Allele origin: germline.
Comment: The p.E83K variant (also known as c.247G>A), located in coding exon 1 of the MET gene, results from a G to A substitution at nucleotide position 247. The glutamic acid at codon 83 is replaced by lysine, an amino acid with similar properties. This amino acid position is well conserved in available vertebrate species. In addition, this alteration is predicted to be tolerated by in silico analysis. Since supporting evidence is limited at this time, the clinical significance of this alteration remains unclear.

NM_000245.4(MET):c.247G>A (p.Glu83Lys)

Gene: MET (MET proto-oncogene, receptor tyrosine kinase; plus strand). Cytogenetic location: 7q31.2.
Variant type: single nucleotide variant.
Coding change: c.247G>A on transcript NM_000245.4 (MANE Select); coding-DNA position 247, G replaced by A.
Protein change: p.Glu83Lys; replaces glutamic acid 83 with lysine.
Molecular consequence: missense variant. On other transcripts: intron variant (1).
Genome position (GRCh38, 1-based): chr7:116,699,331, G>A. VCF-style: chr7-116699331-G-A. GRCh37 (hg19) VCF-style: chr7-116339385-G-A.
Other names: c.247G>A, p.Glu83Lys (NM_001127500.3, NM_001324401.3); c.-91+26754G>A (NM_001324402.2); short protein forms E83K.
Identifiers: ClinVar variation 2567665 (VCV002567665.3), dbSNP rs2116583845, ClinGen allele CA368968653.
Genomic context (GRCh38, chr7:116,699,331, plus strand): 5'-TTCCTTGGTGCCACTAACTACATTTATGTTTTAAATGAGGAAGACCTTCAGAAGGTTGCT[G>A]AGTACAAGACTGGGCCTGTGCTGGAACACCCAGATTGTTTCCCATGTCAGGACTGCAGCA-3'
Protein context (NP_000236.2, residues 73-93): LNEEDLQKVA[Glu83Lys]YKTGPVLEHP